The following is an entry in ClinVar:

ClinVar aggregate classification (germline): Uncertain significance. Review status: criteria provided, multiple submitters, no conflicts (2 of 4 stars). 3 submissions from 3 submitters: Uncertain significance (3). Last evaluated 2024-11-15.

Conditions:
Hereditary breast ovarian cancer syndrome. Also called: Hereditary breast and ovarian cancer syndrome (HBOC); BRCA1- and BRCA2-Associated Hereditary Breast and Ovarian Cancer; Hereditary breast and ovarian cancer syndrome; Breast and ovarian cancer; Hereditary breast and ovarian cancer; Hereditary breast and/or ovarian cancer syndrome. Identifiers: Orphanet 145, MedGen C0677776, MeSH D061325, MONDO:0003582. Disease mechanism: loss of function.
Hereditary cancer-predisposing syndrome. Also called: Hereditary neoplastic syndrome; Neoplastic Syndromes, Hereditary; Tumor predisposition; Hereditary Cancer Syndrome. Identifiers: Orphanet 140162, MedGen C0027672, MeSH D009386, MONDO:0015356.

Submissions (3):

Ambry Genetics
Classification: Uncertain significance for Hereditary cancer-predisposing syndrome. Last evaluated: 2024-11-15. Review status: criteria provided, single submitter. Criteria: Ambry Variant Classification Scheme 2023. Collection method: clinical testing. Allele origin: germline.
Comment: The p.S181F variant (also known as c.542C>T), located in coding exon 6 of the BRCA2 gene, results from a C to T substitution at nucleotide position 542. The serine at codon 181 is replaced by phenylalanine, an amino acid with highly dissimilar properties. This amino acid position is well conserved in available vertebrate species. In addition, this alteration is predicted to be tolerated by in silico analysis. Based on the available evidence, the clinical significance of this variant remains unclear.

Labcorp Genetics (formerly Invitae), Labcorp
Classification: Uncertain significance for Hereditary breast ovarian cancer syndrome. Last evaluated: 2022-05-17. Review status: criteria provided, single submitter. Criteria: Invitae Variant Classification Sherloc (09022015). Collection method: clinical testing. Allele origin: germline.
Comment: In summary, the available evidence is currently insufficient to determine the role of this variant in disease. Therefore, it has been classified as a Variant of Uncertain Significance. Advanced modeling of protein sequence and biophysical properties (such as structural, functional, and spatial information, amino acid conservation, physicochemical variation, residue mobility, and thermodynamic stability) performed at Invitae indicates that this missense variant is not expected to disrupt BRCA2 protein function. ClinVar contains an entry for this variant (Variation ID: 531352). This variant has not been reported in the literature in individuals affected with BRCA2-related conditions. This variant is not present in population databases (gnomAD no frequency). This sequence change replaces serine, which is neutral and polar, with phenylalanine, which is neutral and non-polar, at codon 181 of the BRCA2 protein (p.Ser181Phe).

Women's Health and Genetics/Laboratory Corporation of America, LabCorp
Classification: Uncertain significance. Last evaluated: 2021-06-27. Review status: criteria provided, single submitter. Criteria: LabCorp Variant Classification Summary - May 2015. Collection method: clinical testing. Allele origin: germline.
Comment: Variant summary: BRCA2 c.542C>T (p.Ser181Phe) results in a non-conservative amino acid change in the encoded protein sequence. Four of five in-silico tools predict a damaging effect of the variant on protein function. The variant was absent in 251410 control chromosomes. The available data on variant occurrences in the general population are insufficient to allow any conclusion about variant significance. To our knowledge, no occurrence of c.542C>T in individuals affected with Hereditary Breast And Ovarian Cancer Syndrome and no experimental evidence demonstrating its impact on protein function have been reported. One clinical diagnostic laboratory has submitted clinical-significance assessments for this variant to ClinVar after 2014 without evidence for independent evaluation and classified the variant as uncertain significance. Based on the evidence outlined above, the variant was classified as uncertain significance.

NM_000059.4(BRCA2):c.542C>T (p.Ser181Phe)

Gene: BRCA2 (BRCA2 DNA repair associated; plus strand). Cytogenetic location: 13q13.1.
Variant type: single nucleotide variant.
Coding change: c.542C>T on transcript NM_000059.4 (MANE Select); coding-DNA position 542, C replaced by T.
Protein change: p.Ser181Phe; replaces serine 181 with phenylalanine.
Molecular consequence: missense variant.
Genome position (GRCh38, 1-based): chr13:32,326,524, C>T. VCF-style: chr13-32326524-C-T. GRCh37 (hg19) VCF-style: chr13-32900661-C-T.
Other names: short protein forms S181F.
Identifiers: ClinVar variation 531352 (VCV000531352.11), dbSNP rs1555281052, ClinGen allele CA387757862.